The following is an entry in ClinVar:

ClinVar aggregate classification (germline): Uncertain significance (1 of 4 stars; one submission).

Allele frequency attached by ClinVar (database versions not stated): gnomAD exomes below 0.00001; TOPMed below 0.00001; gnomAD 0.00001.
gnomAD v4.1: 6 of 1,613,506 alleles (0.00037%); highest among the groups gnomAD compares: Non-Finnish European, 0.00051%; no homozygotes.

Submission:

Laboratory for Molecular Medicine, Mass General Brigham Personalized Medicine
Classification: Uncertain significance. Last evaluated: 2014-03-14. Review status: criteria provided, single submitter. Criteria: LMM Criteria. Collection method: clinical testing. Allele origin: germline. Observed: 1 variant allele.
Comment: The Met20942Ile variant in TTN has not been previously reported in individuals w ith cardiomyopathy and data from large population studies is insufficient to ass ess its frequency. Computational prediction tools and conservation analysis are limited or unavailable for this variant. Additional information is needed to ful ly assess the clinical significance of the Met20942Ile variant

NM_001267550.2(TTN):c.70530G>A (p.Met23510Ile)

Genes: TTN (titin; minus strand), TTN-AS1 (TTN antisense RNA 1; plus strand), LOC126806422 (BRD4-independent group 4 enhancer GRCh37_chr2:179440205-179441404; plus strand). Cytogenetic location: 2q31.2.
Variant type: single nucleotide variant.
Coding change: c.70530G>A on transcript NM_001267550.2 (MANE Select); coding-DNA position 70530, G replaced by A.
Protein change: p.Met23510Ile; replaces methionine 23510 with isoleucine.
Molecular consequence: missense variant.
Genome position (GRCh38, 1-based): chr2:178,575,602, C>T on the plus strand (G>A on the coding strand, the complement: TTN is on the minus strand). VCF-style: chr2-178575602-C-T. GRCh37 (hg19) VCF-style: chr2-179440329-C-T.
Other names: c.62826G>A, p.Met20942Ile (NM_133378.4); c.65607G>A, p.Met21869Ile (NM_001256850.1); c.43335G>A, p.Met14445Ile (NM_003319.4); c.43710G>A, p.Met14570Ile (NM_133432.3); c.43911G>A, p.Met14637Ile (NM_133437.4); short protein forms M20942I, M23510I, M14637I, M14570I, M14445I, M21869I.
Identifiers: ClinVar variation 165857 (VCV000165857.5), dbSNP rs727503569, ClinGen allele CA178533.